The following is an entry in ClinVar:

NM_006237.4(POU4F1):c.136C>T (p.Leu46Phe)

Genes: OBI1-AS1 (OBI1 antisense RNA 1; plus strand), POU4F1 (POU class 4 homeobox 1; minus strand). Cytogenetic location: 13q31.1.
Variant type: single nucleotide variant.
Coding change: c.136C>T on transcript NM_006237.4 (MANE Select); coding-DNA position 136, C replaced by T.
Protein change: p.Leu46Phe; replaces leucine 46 with phenylalanine.
Molecular consequence: missense variant.
Genome position (GRCh38, 1-based): chr13:78,602,539, G>A on the plus strand (C>T on the coding strand, the complement: POU4F1 is on the minus strand). VCF-style: chr13-78602539-G-A. GRCh37 (hg19) VCF-style: chr13-79176674-G-A.
Other names: short protein forms L46F.
Identifiers: ClinVar variation 2643871 (VCV002643871.24), dbSNP rs142455133, ClinGen allele CA7012619.

ClinVar aggregate classification (germline): Likely benign (1 of 4 stars; one submission).

Allele frequency attached by ClinVar (database versions not stated): 1000 Genomes Project 0.00120; 1000 Genomes Project 30x 0.00141; gnomAD 0.00337; ESP Exome Variant Server 0.00377; TOPMed 0.00381; gnomAD exomes 0.00437; ExAC 0.00609.

Submission:

CeGaT Center for Human Genetics Tuebingen
Classification: Likely benign. Last evaluated: 2026-08-01. Review status: criteria provided, single submitter. Criteria: CeGaT Center For Human Genetics Tuebingen Variant Classification Criteria Version 2. Collection method: clinical testing. Allele origin: germline. Affected: yes. Observed: 32 variant alleles.
Comment: POU4F1: BS2